The following is an entry in ClinVar:

ClinVar aggregate classification (germline): Uncertain significance. Review status: criteria provided, multiple submitters, no conflicts (2 of 4 stars). 2 submissions from 2 submitters: Uncertain significance (2). Last evaluated 2025-04-30.

Conditions:
MYH7-related disorder. Also called: MYH7-related disorders; MYH7-related condition; MYH7-related disease.

Allele frequency attached by ClinVar (database versions not stated): gnomAD exomes below 0.00001.

Submissions (2):

GeneDx
Classification: Uncertain significance. Last evaluated: 2025-04-30. Review status: criteria provided, single submitter. Criteria: GeneDx Variant Classification Process June 2021. Collection method: clinical testing. Allele origin: germline. Affected: yes.
Comment: Not observed at significant frequency in large population cohorts (gnomAD); Has not been previously published as pathogenic or benign to our knowledge; Initiation codon variant in a gene for which loss-of-function is not a known mechanism of disease

PreventionGenetics, part of Exact Sciences
Classification: Uncertain significance for MYH7-related condition. Last evaluated: 2023-09-12. Review status: criteria provided, single submitter. Criteria: ACMG Guidelines, 2015. Collection method: clinical testing. Allele origin: germline.
Comment: The MYH7 c.2T>C variant is predicted to disrupt the translation initiation site (Start loss). However, there is a potential alternate start site just downstream of this position, and therefore the functional consequence of this nucleotide change is uncertain. To our knowledge, this variant has not been reported in the literature or in a large population database, indicating this variant is rare. Although we suspect that this variant may be pathogenic, at this time, the clinical significance of this variant is uncertain due to the absence of conclusive functional and genetic evidence.

NM_000257.4(MYH7):c.2T>C (p.Met1Thr)

Gene: MYH7 (myosin heavy chain 7; minus strand). Cytogenetic location: 14q11.2.
Variant type: single nucleotide variant.
Coding change: c.2T>C on transcript NM_000257.4 (MANE Select); coding-DNA position 2, T replaced by C.
Protein change: p.Met1Thr; changes the start codon (methionine 1).
Molecular consequence: missense variant, initiator codon variant.
Genome position (GRCh38, 1-based): chr14:23,433,731, A>G on the plus strand (T>C on the coding strand, the complement: MYH7 is on the minus strand). VCF-style: chr14-23433731-A-G. GRCh37 (hg19) VCF-style: chr14-23902940-A-G.
Other names: c.2T>C, p.Met1Thr (NM_001407004.1); short protein forms M1T.
Identifiers: ClinVar variation 2631021 (VCV002631021.3), dbSNP rs2502323077, ClinGen allele CA389054261.